The following is an entry in ClinVar:

NM_001348716.2(KDM6B):c.4039C>G (p.Leu1347Val)

Genes: KDM6B (lysine demethylase 6B; plus strand), LOC121587574 (Sharpr-MPRA regulatory region 3930; plus strand). Cytogenetic location: 17p13.1.
Variant type: single nucleotide variant.
Coding change: c.4039C>G on transcript NM_001348716.2 (MANE Select); coding-DNA position 4039, C replaced by G.
Protein change: p.Leu1347Val; replaces leucine 1347 with valine.
Molecular consequence: missense variant.
Genome position (GRCh38, 1-based): chr17:7,851,670, C>G. VCF-style: chr17-7851670-C-G. GRCh37 (hg19) VCF-style: chr17-7754988-C-G.
Other names: c.4039C>G, p.Leu1347Val (NM_001080424.2); short protein forms L1347V.
Identifiers: ClinVar variation 2808914 (VCV002808914.3), dbSNP rs201972434, ClinGen allele CA397926837.

ClinVar aggregate classification (germline): Uncertain significance (1 of 4 stars; one submission).

Submission:

Labcorp Genetics (formerly Invitae), Labcorp
Classification: Uncertain significance. Last evaluated: 2023-11-04. Review status: criteria provided, single submitter. Criteria: Invitae Variant Classification Sherloc (09022015). Collection method: clinical testing. Allele origin: germline.
Comment: This sequence change replaces leucine, which is neutral and non-polar, with valine, which is neutral and non-polar, at codon 1347 of the KDM6B protein (p.Leu1347Val). This variant is not present in population databases (gnomAD no frequency). This variant has not been reported in the literature in individuals affected with KDM6B-related conditions. Experimental studies and prediction algorithms are not available or were not evaluated, and the functional significance of this variant is currently unknown. In summary, the available evidence is currently insufficient to determine the role of this variant in disease. Therefore, it has been classified as a Variant of Uncertain Significance.